The following is an entry in ClinVar:

ClinVar aggregate classification (germline): Conflicting classifications of pathogenicity. Review status: criteria provided, conflicting classifications (1 of 4 stars). 4 submissions from 4 submitters: Uncertain significance (2); Likely benign (2). Last evaluated 2026-01-28.

Conditions:
Hereditary cancer-predisposing syndrome. Also called: Tumor predisposition; Neoplastic Syndromes, Hereditary; Hereditary Cancer Syndrome; Hereditary neoplastic syndrome. Identifiers: Orphanet 140162, MedGen C0027672, MeSH D009386, MONDO:0015356.

Allele frequency attached by ClinVar (database versions not stated): gnomAD below 0.00001 and 0.00005; TOPMed 0.00001; 1000 Genomes Project 30x 0.00016; 1000 Genomes Project 0.00020.
gnomAD v4.1: 182 of 1,614,000 alleles (0.011%); highest among the groups gnomAD compares: South Asian, 0.2%; 1 homozygote.

Submissions (4):

Labcorp Genetics (formerly Invitae), Labcorp
Classification: Likely benign. Last evaluated: 2026-01-28. Review status: criteria provided, single submitter. Criteria: Invitae Variant Classification Sherloc (09022015). Collection method: clinical testing. Allele origin: germline.

Quest Diagnostics Nichols Institute San Juan Capistrano
Classification: Uncertain significance. Last evaluated: 2023-02-06. Review status: criteria provided, single submitter. Criteria: Quest Diagnostics criteria. Collection method: clinical testing. Allele origin: unknown.
Comment: To the best of our knowledge, the variant has not been reported in the published literature. The frequency of this variant in the general population, 0.0024 (72/30616 chromosomes in South Asian subpopulation), is higher than would generally be expected for pathogenic variants in this gene. Analysis of this variant using bioinformatics tools for the prediction of the effect of amino acid changes on protein structure and function yielded predictions that this variant is damaging. Based on the available information, we are unable to determine the clinical significance of this variant.

Sema4
Classification: Uncertain significance for Hereditary cancer-predisposing syndrome. Last evaluated: 2021-11-27. Review status: criteria provided, single submitter. Criteria: Sema4 Curation Guidelines. Collection method: curation. Allele origin: germline.
Comment: The NTHL1 c.767C>T (p.T256I) variant has not been reported in the literature to our knowledge. It was observed in 72/30616 chromosomes of the South Asian subpopulation in the large and broad cohorts of the Genome Aggregation Database (PMID: 32461654). The variant has been reported in ClinVar (Variation ID: 759530). Functional studies have not been performed, and in silico predictions of the variant's effect on protein function are inconclusive. The evidence is insufficient to meet ACMG/AMP criteria for classifying the variant as benign or pathogenic. Thus, the clinical significance of this variant is currently uncertain.

Ambry Genetics
Classification: Likely benign for Hereditary cancer-predisposing syndrome. Last evaluated: 2021-08-31. Review status: criteria provided, single submitter. Criteria: Ambry Variant Classification Scheme 2023. Collection method: clinical testing. Allele origin: germline.

NM_002528.7(NTHL1):c.743C>T (p.Thr248Ile)

Gene: NTHL1 (nth like DNA glycosylase 1; minus strand). Cytogenetic location: 16p13.3.
Variant type: single nucleotide variant.
Coding change: c.743C>T on transcript NM_002528.7 (MANE Select); coding-DNA position 743, C replaced by T.
Protein change: p.Thr248Ile; replaces threonine 248 with isoleucine.
Molecular consequence: missense variant.
Genome position (GRCh38, 1-based): chr16:2,040,181, G>A on the plus strand (C>T on the coding strand, the complement: NTHL1 is on the minus strand). VCF-style: chr16-2040181-G-A. GRCh37 (hg19) VCF-style: chr16-2090182-G-A.
Other names: c.572C>T, p.Thr191Ile (NM_001318193.2); c.413C>T, p.Thr138Ile (NM_001318194.2); short protein forms T248I, T138I, T191I.
Identifiers: ClinVar variation 759530 (VCV000759530.17), dbSNP rs577781337, ClinGen allele CA7828132.
Genomic context (GRCh38, chr16:2,040,181, plus strand): 5'-ACATACTCATACCTAGGCAGCCACTCCTCCAGGGCGGCGCGGGTCTCCTCTGGGGACTTG[G>A]TTGCCTTCTTGGTCCACCTCAGCCTGTTGGCGATTCTGTGCACATGCGTGTCCACTGCTG-3'
Protein context (NP_002519.2, residues 238-258): ANRLRWTKKA[Thr248Ile]KSPEETRAAL